The following is an entry in ClinVar:

NM_005359.6(SMAD4):c.997G>A (p.Val333Ile)

Gene: SMAD4 (SMAD family member 4; plus strand). Cytogenetic location: 18q21.2.
Variant type: single nucleotide variant.
Coding change: c.997G>A on transcript NM_005359.6 (MANE Select); coding-DNA position 997, G replaced by A.
Protein change: p.Val333Ile; replaces valine 333 with isoleucine.
Molecular consequence: missense variant.
Genome position (GRCh38, 1-based): chr18:51,065,464, G>A. VCF-style: chr18-51065464-G-A. GRCh37 (hg19) VCF-style: chr18-48591834-G-A.
Other names: short protein forms V333I.
Identifiers: ClinVar variation 646287 (VCV000646287.16), dbSNP rs1274926456, ClinGen allele CA402464171.

ClinVar aggregate classification (germline): Conflicting classifications of pathogenicity. Review status: criteria provided, conflicting classifications (1 of 4 stars). 4 submissions from 4 submitters: Uncertain significance (3); Likely benign (1). Last evaluated 2025-08-19.

Conditions:
Familial thoracic aortic aneurysm and aortic dissection (TAAD). Also called: Thoracic aortic aneurysms and dissections. Identifiers: Orphanet 91387, MedGen C4707243, MONDO:0019625.
Hereditary cancer-predisposing syndrome. Also called: Neoplastic Syndromes, Hereditary; Tumor predisposition; Hereditary neoplastic syndrome; Hereditary Cancer Syndrome. Identifiers: Orphanet 140162, MedGen C0027672, MeSH D009386, MONDO:0015356.
Juvenile polyposis syndrome (JPS). Identifiers: Orphanet 2929, MedGen C0345893, MONDO:0017380, OMIM 174900.
Juvenile polyposis/hereditary hemorrhagic telangiectasia syndrome (JPHT). Also called: Juvenile Polyposis Syndrome / Hereditary Hemorrhagic Telangiectasia (JPS/HHT); JP/HHT SYNDROME; JUVENILE POLYPOSIS WITH HEREDITARY HEMORRHAGIC TELANGIECTASIA; POLYPOSIS, GENERALIZED JUVENILE, WITH PULMONARY ARTERIOVENOUS MALFORMATION; TELANGIECTASIA, HEREDITARY HEMORRHAGIC, WITH JUVENILE POLYPOSIS COLI. Identifiers: Orphanet 2929, MedGen C1832942, MONDO:0008278, OMIM 175050.

Allele frequency attached by ClinVar (database versions not stated): TOPMed 0.00002; gnomAD exomes below 0.00001.
gnomAD v4.1: 1 of 1,614,006 alleles (0.000062%); highest among the groups gnomAD compares: South Asian, 0.0011%; no homozygotes.

Submissions (4):

GeneDx
Classification: Uncertain significance. Last evaluated: 2025-08-19. Review status: criteria provided, single submitter. Criteria: GeneDx Variant Classification Process June 2021. Collection method: clinical testing. Allele origin: germline.
Comment: Not observed at significant frequency in large population cohorts (gnomAD); In silico analysis indicates that this missense variant does not alter protein structure/function; Has not been previously published as pathogenic or benign to our knowledge; This variant is associated with the following publications: (PMID: 17873119, 18823382, 15235019)

Labcorp Genetics (formerly Invitae), Labcorp
Classification: Likely benign for Juvenile polyposis syndrome. Last evaluated: 2025-07-08. Review status: criteria provided, single submitter. Criteria: Invitae Variant Classification Sherloc (09022015). Collection method: clinical testing. Allele origin: germline.

All of Us Research Program, National Institutes of Health
Classification: Uncertain significance for Juvenile polyposis/hereditary hemorrhagic telangiectasia syndrome. Last evaluated: 2024-08-06. Review status: criteria provided, single submitter. Criteria: ACMG Guidelines, 2015. Collection method: clinical testing. Allele origin: germline. Inheritance: Autosomal dominant inheritance. Observed: 2 variant alleles, 2 heterozygotes.
Comment: This study involves interpretation of variants in research participants for the purpose of population health screening. Participant phenotype was not available at the time of variant classification. Additional details can be found in publication PMID: 35346344, PMCID: PMC8962531

Ambry Genetics
Classification: Uncertain significance for Hereditary cancer-predisposing syndrome; Familial thoracic aortic aneurysm and aortic dissection. Last evaluated: 2024-01-05. Review status: criteria provided, single submitter. Criteria: Ambry Variant Classification Scheme 2023. Collection method: clinical testing. Allele origin: germline.
Comment: The p.V333I variant (also known as c.997G>A), located in coding exon 8 of the SMAD4 gene, results from a G to A substitution at nucleotide position 997. The valine at codon 333 is replaced by isoleucine, an amino acid with highly similar properties. This amino acid position is highly conserved in available vertebrate species. In addition, the in silico prediction for this alteration is inconclusive. Since supporting evidence is limited at this time, the clinical significance of this alteration remains unclear.